The following is an entry in ClinVar:

NM_014314.4(RIGI):c.1706A>T (p.Asp569Val)

Gene: RIGI (RNA sensor RIG-I; minus strand). Cytogenetic location: 9p21.1.
Variant type: single nucleotide variant.
Coding change: c.1706A>T on transcript NM_014314.4 (MANE Select); coding-DNA position 1706, A replaced by T.
Protein change: p.Asp569Val; replaces aspartic acid 569 with valine.
Molecular consequence: missense variant.
Genome position (GRCh38, 1-based): chr9:32,480,287, T>A on the plus strand (A>T on the coding strand, the complement: RIGI is on the minus strand). VCF-style: chr9-32480287-T-A. GRCh37 (hg19) VCF-style: chr9-32480285-T-A.
Other names: c.1700A>T, p.Asp567Val (NM_001385907.1); c.1706A>T, p.Asp569Val (NM_001385909.1); c.1265A>T, p.Asp422Val (NM_001385910.1); c.1097A>T, p.Asp366Val (NM_001385912.1); c.1691A>T, p.Asp564Val (NM_001385913.1); c.1262A>T, p.Asp421Val (NM_001385914.1); short protein forms D569V, D366V, D564V, D421V, D422V, D567V.
Identifiers: ClinVar variation 3689102 (VCV003689102.2).

ClinVar aggregate classification (germline): Uncertain significance (1 of 4 stars; one submission).

Submission:

Labcorp Genetics (formerly Invitae), Labcorp
Classification: Uncertain significance. Last evaluated: 2024-07-25. Review status: criteria provided, single submitter. Criteria: Invitae Variant Classification Sherloc (09022015). Collection method: clinical testing. Allele origin: germline.
Comment: This sequence change replaces aspartic acid, which is acidic and polar, with valine, which is neutral and non-polar, at codon 569 of the DDX58 protein (p.Asp569Val). This variant is not present in population databases (gnomAD no frequency). This variant has not been reported in the literature in individuals affected with DDX58-related conditions. Advanced modeling of protein sequence and biophysical properties (such as structural, functional, and spatial information, amino acid conservation, physicochemical variation, residue mobility, and thermodynamic stability) performed at Invitae indicates that this missense variant is not expected to disrupt DDX58 protein function with a negative predictive value of 80%. In summary, the available evidence is currently insufficient to determine the role of this variant in disease. Therefore, it has been classified as a Variant of Uncertain Significance.